The following is an entry in ClinVar:

NM_001378615.1(CC2D2A):c.3280C>G (p.Leu1094Val)

Genes: CC2D2A (coiled-coil and C2 domain containing 2A; plus strand), FBXL5 (F-box and leucine rich repeat protein 5; minus strand). Cytogenetic location: 4p15.32.
Variant type: single nucleotide variant.
Coding change: c.3280C>G on transcript NM_001378615.1 (MANE Select); coding-DNA position 3280, C replaced by G.
Protein change: p.Leu1094Val; replaces leucine 1094 with valine.
Molecular consequence: missense variant.
Genome position (GRCh38, 1-based): chr4:15,567,474, C>G. VCF-style: chr4-15567474-C-G. GRCh37 (hg19) VCF-style: chr4-15569097-C-G.
Other names: c.3280C>G, p.Leu1094Val (NM_001080522.2); c.3133C>G, p.Leu1045Val (NM_001378617.1); short protein forms L1094V, L1045V.
Identifiers: ClinVar variation 595287 (VCV000595287.17), dbSNP rs200518703, ClinGen allele CA2864120.

ClinVar aggregate classification (germline): Conflicting classifications of pathogenicity. Review status: criteria provided, conflicting classifications (1 of 4 stars). 5 submissions from 5 submitters: Uncertain significance (3); Benign (1); Likely benign (1). Last evaluated 2025-05-11.

Conditions:
Meckel-Gruber syndrome. Also called: Dysencephalia splachnocystica; DYSENCEPHALIA SPLANCHNOCYSTICA; GRUBER SYNDROME. Identifiers: Orphanet 564, MedGen C0265215, MONDO:0018921.
Joubert syndrome. Also called: Familial aplasia of the vermis; JOUBERT-BOLTSHAUSER SYNDROME. Identifiers: Orphanet 475, MedGen C5979921, MONDO:0018772.
Inborn genetic diseases. Identifiers: MedGen C0950123, MeSH D030342.
CC2D2A-related disorder. Also called: CC2D2A-related disorders; CC2D2A-related condition. Identifiers: MedGen CN239313.

Allele frequency attached by ClinVar (database versions not stated): gnomAD exomes 0.00002 and 0.00003; ExAC 0.00005; ESP Exome Variant Server 0.00008; TOPMed 0.00018; gnomAD 0.00019; 1000 Genomes Project 0.00040; 1000 Genomes Project 30x 0.00062.
gnomAD v4.1: 48 of 1,612,586 alleles (0.003%); highest among the groups gnomAD compares: African/African-American, 0.06%; no homozygotes.

Submissions (5):

Labcorp Genetics (formerly Invitae), Labcorp
Classification: Likely benign for Joubert syndrome; Meckel-Gruber syndrome. Last evaluated: 2025-05-11. Review status: criteria provided, single submitter. Criteria: Invitae Variant Classification Sherloc (09022015). Collection method: clinical testing. Allele origin: germline.

PreventionGenetics, part of Exact Sciences
Classification: Uncertain significance for CC2D2A-related condition. Last evaluated: 2025-04-09. Review status: criteria provided, single submitter. Criteria: ACMG Guidelines, 2015. Collection method: clinical testing. Allele origin: germline.
Comment: The CC2D2A c.3280C>G variant is predicted to result in the amino acid substitution p.Leu1094Val. To our knowledge, this variant has not been reported in the literature. This variant is reported in 0.054% of alleles in individuals of African descent in gnomAD. Although we suspect that this variant may be benign, at this time, the clinical significance of this variant is uncertain due to the absence of conclusive functional and genetic evidence.

Ambry Genetics
Classification: Uncertain significance for Inborn genetic diseases. Last evaluated: 2025-01-18. Review status: criteria provided, single submitter. Criteria: Ambry Variant Classification Scheme 2023. Collection method: clinical testing. Allele origin: germline.

Blueprint Genetics
Classification: Benign. Last evaluated: 2021-11-09. Review status: criteria provided, single submitter. Criteria: ACMG Guidelines, 2015. Collection method: clinical testing. Allele origin: germline.

Eurofins Ntd Llc (ga)
Classification: Uncertain significance. Last evaluated: 2017-12-06. Review status: criteria provided, single submitter. Criteria: EGL Classification Definitions 2015. Collection method: clinical testing. Allele origin: germline. Observed: 1 variant allele, 1 heterozygote.